The following is an entry in ClinVar:

NM_001172509.2(SATB2):c.1315C>T (p.Arg439Trp)

Gene: SATB2 (SATB homeobox 2; minus strand). Cytogenetic location: 2q33.1.
Variant type: single nucleotide variant.
Coding change: c.1315C>T on transcript NM_001172509.2 (MANE Select); coding-DNA position 1315, C replaced by T.
Protein change: p.Arg439Trp; replaces arginine 439 with tryptophan.
Molecular consequence: missense variant.
Genome position (GRCh38, 1-based): chr2:199,328,769, G>A on the plus strand (C>T on the coding strand, the complement: SATB2 is on the minus strand). VCF-style: chr2-199328769-G-A. GRCh37 (hg19) VCF-style: chr2-200193492-G-A.
Other names: c.1315C>T, p.Arg439Trp (NM_001172517.1, NM_015265.4); short protein forms R439W.
Identifiers: ClinVar variation 4086719 (VCV004086719.1).
Genomic context (GRCh38, chr2:199,328,769, plus strand): 5'-GGGAGGAGCTGGGACTGCTGGAGGCCGAGGAGACCATGCTCACATTGGGATTCATGCTCC[G>A]CTCCCTCTCATCCTGGTAGATGCGATCTCGCTCCACTTCTGGCAGATTGAGGAAATTCTG-3'
Protein context (NP_001165980.1, residues 429-449): RDRIYQDERE[Arg439Trp]SMNPNVSMVS

ClinVar aggregate classification (germline): Uncertain significance (1 of 4 stars; one submission).

gnomAD v4.1: 1 of 1,613,942 alleles (0.000062%); highest among the groups gnomAD compares: Middle Eastern, 0.017%; no homozygotes.

Submission:

GeneDx
Classification: Uncertain significance. Last evaluated: 2025-03-20. Review status: criteria provided, single submitter. Criteria: GeneDx Variant Classification Process June 2021. Collection method: clinical testing. Allele origin: germline. Affected: yes.
Comment: In silico analysis supports that this missense variant has a deleterious effect on protein structure/function; Has not been previously published as pathogenic or benign to our knowledge